The following is an entry in ClinVar:

NM_004174.4(SLC9A3):c.1922C>T (p.Thr641Met)

Genes: SLC9A3-AS1 (SLC9A3 antisense RNA 1; plus strand), SLC9A3 (solute carrier family 9 member A3). Cytogenetic location: 5p15.33.
Variant type: single nucleotide variant.
Coding change: c.1922C>T on transcript NM_004174.4 (MANE Select); coding-DNA position 1922, C replaced by T.
Protein change: p.Thr641Met; replaces threonine 641 with methionine.
Molecular consequence: missense variant. On other transcripts: non-coding transcript variant (1).
Genome position (GRCh38, 1-based): chr5:476,347, G>A on the plus strand (C>T on the coding strand, the complement: SLC9A3 is on the minus strand). VCF-style: chr5-476347-G-A. GRCh37 (hg19) VCF-style: chr5-476462-G-A.
Other names: c.1895C>T, p.Thr632Met (NM_001284351.3); short protein forms T641M, T632M.
Identifiers: ClinVar variation 1435629 (VCV001435629.5), dbSNP rs372661265, ClinGen allele CA3175644.

ClinVar aggregate classification (germline): Uncertain significance (1 of 4 stars; one submission).

Allele frequency attached by ClinVar (database versions not stated): ExAC 0.00003; gnomAD exomes 0.00005; ESP Exome Variant Server 0.00008; gnomAD 0.00022 and 0.00024; TOPMed 0.00022.
gnomAD v4.1: 56 of 1,613,868 alleles (0.0035%); highest among the groups gnomAD compares: African/African-American, 0.039%; no homozygotes.

Submission:

Labcorp Genetics (formerly Invitae), Labcorp
Classification: Uncertain significance. Last evaluated: 2022-07-19. Review status: criteria provided, single submitter. Criteria: Invitae Variant Classification Sherloc (09022015). Collection method: clinical testing. Allele origin: germline.
Comment: This sequence change replaces threonine, which is neutral and polar, with methionine, which is neutral and non-polar, at codon 641 of the SLC9A3 protein (p.Thr641Met). This variant is present in population databases (rs372661265, gnomAD 0.05%). This variant has not been reported in the literature in individuals affected with SLC9A3-related conditions. ClinVar contains an entry for this variant (Variation ID: 1435629). Algorithms developed to predict the effect of missense changes on protein structure and function are either unavailable or do not agree on the potential impact of this missense change (SIFT: "Not Available"; PolyPhen-2: "Benign"; Align-GVGD: "Not Available"). In summary, the available evidence is currently insufficient to determine the role of this variant in disease. Therefore, it has been classified as a Variant of Uncertain Significance.